The following is an entry in ClinVar:

ClinVar aggregate classification (germline): Uncertain significance (1 of 4 stars; one submission).

Conditions:
Deficiency of malonyl-CoA decarboxylase. Also called: Malonic aciduria; MCD deficiency. Identifiers: Orphanet 943, MedGen C0342793, MONDO:0009556, OMIM 248360.

Allele frequency attached by ClinVar (database versions not stated): gnomAD 0.00001; TOPMed 0.00002.
gnomAD v4.1: 34 of 1,488,368 alleles (0.0023%); highest among the groups gnomAD compares: Non-Finnish European, 0.0029%; no homozygotes.

Submission:

Labcorp Genetics (formerly Invitae), Labcorp
Classification: Uncertain significance for Deficiency of malonyl-CoA decarboxylase. Last evaluated: 2022-04-08. Review status: criteria provided, single submitter. Criteria: Invitae Variant Classification Sherloc (09022015). Collection method: clinical testing. Allele origin: germline.
Comment: This sequence change replaces tyrosine, which is neutral and polar, with asparagine, which is neutral and polar, at codon 54 of the MLYCD protein (p.Tyr54Asn). This variant is not present in population databases (gnomAD no frequency). This variant has not been reported in the literature in individuals affected with MLYCD-related conditions. Algorithms developed to predict the effect of missense changes on protein structure and function are either unavailable or do not agree on the potential impact of this missense change (SIFT: "Tolerated"; PolyPhen-2: "Possibly Damaging"; Align-GVGD: "Class C0"). In summary, the available evidence is currently insufficient to determine the role of this variant in disease. Therefore, it has been classified as a Variant of Uncertain Significance.

NM_012213.3(MLYCD):c.160T>A (p.Tyr54Asn)

Genes: MLYCD (malonyl-CoA decarboxylase; plus strand), LOC130059554 (ATAC-STARR-seq lymphoblastoid silent region 7769; plus strand). Cytogenetic location: 16q23.3.
Variant type: single nucleotide variant.
Coding change: c.160T>A on transcript NM_012213.3 (MANE Select); coding-DNA position 160, T replaced by A.
Protein change: p.Tyr54Asn; replaces tyrosine 54 with asparagine.
Molecular consequence: missense variant.
Genome position (GRCh38, 1-based): chr16:83,899,304, T>A. VCF-style: chr16-83899304-T-A. GRCh37 (hg19) VCF-style: chr16-83932909-T-A.
Other names: short protein forms Y54N.
Identifiers: ClinVar variation 2184209 (VCV002184209.1), dbSNP rs1348666284, ClinGen allele CA396917761.